The following is an entry in ClinVar:

NM_014043.4(CHMP2B):c.372A>C (p.Thr124=)

Gene: CHMP2B (charged multivesicular body protein 2B; plus strand). Cytogenetic location: 3p11.2.
Variant type: single nucleotide variant.
Coding change: c.372A>C on transcript NM_014043.4 (MANE Select); coding-DNA position 372, A replaced by C.
Protein change: p.Thr124=; no amino-acid change (threonine 124 retained).
Molecular consequence: synonymous variant.
Genome position (GRCh38, 1-based): chr3:87,249,925, A>C. VCF-style: chr3-87249925-A-C. GRCh37 (hg19) VCF-style: chr3-87299075-A-C.
Other names: p.Thr124=; c.249A>C, p.Thr83= (NM_001244644.2).
Identifiers: ClinVar variation 98001 (VCV000098001.20), dbSNP rs1044499, ClinGen allele CA224970.

ClinVar aggregate classification (germline): Benign. Review status: criteria provided, multiple submitters, no conflicts (2 of 4 stars). 9 submissions from 9 submitters: Benign (6). 3 of the submissions do not count toward it. Last evaluated 2026-02-04.

Conditions:
Frontotemporal dementia and/or amyotrophic lateral sclerosis 7 (FTDALS7). Also called: CHMP2B-related frontotemporal dementia; AMYOTROPHIC LATERAL SCLEROSIS, CHMP2B-RELATED; Amyotrophic lateral sclerosis 17; CHMP2B-Related Frontotemporal Dementia-Amyotrophic Lateral Sclerosis. Identifiers: Orphanet 275864, Orphanet 282, Orphanet 803, MedGen C1833296, MONDO:0010936, OMIM 600795.

Allele frequency attached by ClinVar (database versions not stated): gnomAD exomes 0.09446 and 0.08220; gnomAD 0.09006 and 0.09212; ExAC 0.09345; TOPMed 0.09735; ESP Exome Variant Server 0.09222; 1000 Genomes Project 30x 0.10197; 1000 Genomes Project 0.10583.
gnomAD v4.1: 134,112 of 1,604,988 alleles (8.4%); highest among the groups gnomAD compares: East Asian, 23%; 6,491 homozygotes.

Submissions (9):

Labcorp Genetics (formerly Invitae), Labcorp
Classification: Benign for Frontotemporal dementia and/or amyotrophic lateral sclerosis 7. Last evaluated: 2026-02-04. Review status: criteria provided, single submitter. Criteria: Invitae Variant Classification Sherloc (09022015). Collection method: clinical testing. Allele origin: germline.

GeneDx
Classification: Benign. Last evaluated: 2018-08-17. Review status: criteria provided, single submitter. Criteria: GeneDx Variant Classification Process June 2021. Collection method: clinical testing. Allele origin: germline. Affected: yes.

Mayo Clinic Laboratories, Mayo Clinic
Classification: Benign. Last evaluated: 2017-07-20. Review status: criteria provided, single submitter. Criteria: ACMG Guidelines, 2015. Collection method: clinical testing. Allele origin: germline. Observed: 206 variant alleles.

Illumina Laboratory Services, Illumina
Classification: Benign for Frontotemporal dementia and/or amyotrophic lateral sclerosis 7. Last evaluated: 2017-04-27. Review status: criteria provided, single submitter. Criteria: ICSL Variant Classification Criteria 13 December 2019. Collection method: clinical testing. Allele origin: germline.
Comment: This variant was observed as part of a predisposition screen in an ostensibly healthy population. A literature search was performed for the gene, cDNA change, and amino acid change (where applicable). No publications were found based on this search. Allele frequency data from public databases was too high to be consistent with this variant causing disease. Therefore, this variant is classified as benign.

Breakthrough Genomics
Classification: Benign. Review status: criteria provided, single submitter. Criteria: ACMG Guidelines, 2015. Collection method: not provided. Allele origin: germline. Inheritance: Autosomal dominant inheritance. Affected: yes.

PreventionGenetics, part of Exact Sciences
Classification: Benign. Review status: criteria provided, single submitter. Criteria: ACMG Guidelines, 2015. Collection method: clinical testing. Allele origin: germline.

Clinical Genetics DNA and cytogenetics Diagnostics Lab, Erasmus MC, Erasmus Medical Center
Classification: Benign. Review status: no assertion criteria provided. Collection method: clinical testing. Allele origin: germline. Affected: yes. Study: VKGL Data-share Consensus. Not counted in ClinVar's aggregate classification.

Genome Diagnostics Laboratory, Amsterdam University Medical Center
Classification: Benign. Review status: no assertion criteria provided. Collection method: clinical testing. Allele origin: germline. Affected: yes. Study: VKGL Data-share Consensus. Not counted in ClinVar's aggregate classification.

VIB  Department of Molecular Genetics, University of Antwerp
No classification provided. Review status: no classification provided. Collection method: not provided. Allele origin: unknown. Not counted in ClinVar's aggregate classification.